The following is an entry in ClinVar:

ClinVar aggregate classification (germline): Uncertain significance. Review status: criteria provided, multiple submitters, no conflicts (2 of 4 stars). 2 submissions from 2 submitters: Uncertain significance (2). Last evaluated 2025-08-06.

Conditions:
Primary immunodeficiency with natural-killer cell deficiency and adrenal insufficiency (IMD54). Also called: Natural killer cell and glucocorticoid deficiency with DNA repair defect; IMMUNODEFICIENCY 54. Identifiers: Orphanet 75391, MedGen C1864947, MONDO:0012383, OMIM 609981.

Allele frequency attached by ClinVar (database versions not stated): gnomAD exomes below 0.00001; TOPMed below 0.00001.
gnomAD v4.1: 1 of 1,599,998 alleles (0.000063%); highest among the groups gnomAD compares: Non-Finnish European, 0.000085%; no homozygotes.

Submissions (2):

Ambry Genetics
Classification: Uncertain significance. Last evaluated: 2025-08-06. Review status: criteria provided, single submitter. Criteria: Ambry Variant Classification Scheme 2023. Collection method: clinical testing. Allele origin: germline.

Labcorp Genetics (formerly Invitae), Labcorp
Classification: Uncertain significance. Last evaluated: 2022-09-19. Review status: criteria provided, single submitter. Criteria: Invitae Variant Classification Sherloc (09022015). Collection method: clinical testing. Allele origin: germline.
Comment: This sequence change replaces isoleucine, which is neutral and non-polar, with threonine, which is neutral and polar, at codon 203 of the MCM4 protein (p.Ile203Thr). This variant is not present in population databases (gnomAD no frequency). In summary, the available evidence is currently insufficient to determine the role of this variant in disease. Therefore, it has been classified as a Variant of Uncertain Significance. Advanced modeling of protein sequence and biophysical properties (such as structural, functional, and spatial information, amino acid conservation, physicochemical variation, residue mobility, and thermodynamic stability) performed at Invitae indicates that this missense variant is not expected to disrupt MCM4 protein function. This variant has not been reported in the literature in individuals affected with MCM4-related conditions.

NM_182746.3(MCM4):c.608T>C (p.Ile203Thr)

Gene: MCM4 (minichromosome maintenance complex component 4; plus strand). Cytogenetic location: 8q11.21.
Variant type: single nucleotide variant.
Coding change: c.608T>C on transcript NM_182746.3 (MANE Select); coding-DNA position 608, T replaced by C.
Protein change: p.Ile203Thr; replaces isoleucine 203 with threonine.
Molecular consequence: missense variant.
Genome position (GRCh38, 1-based): chr8:47,962,955, T>C. VCF-style: chr8-47962955-T-C. GRCh37 (hg19) VCF-style: chr8-48875515-T-C.
Other names: c.608T>C, p.Ile203Thr (NM_005914.4); c.608T>C (NM_005914.3); short protein forms I203T.
Identifiers: ClinVar variation 2004378 (VCV002004378.6), dbSNP rs2090860333, ClinGen allele CA371146576.